The following is an entry in ClinVar:

NM_014974.3(DIP2C):c.456C>G (p.Thr152=)

Gene: DIP2C (DIP2 acetate--CoA ligase C (putative); minus strand). Cytogenetic location: 10p15.3.
Variant type: single nucleotide variant.
Coding change: c.456C>G on transcript NM_014974.3 (MANE Select); coding-DNA position 456, C replaced by G.
Protein change: p.Thr152=; no amino-acid change (threonine 152 retained).
Molecular consequence: synonymous variant.
Genome position (GRCh38, 1-based): chr10:422,972, G>C on the plus strand (C>G on the coding strand, the complement: DIP2C is on the minus strand). VCF-style: chr10-422972-G-C. GRCh37 (hg19) VCF-style: chr10-468912-G-C.
Other names: c.456C>G (NM_014974.2).
Identifiers: ClinVar variation 1942038 (VCV001942038.7), dbSNP rs755155831, ClinGen allele CA5381327.

ClinVar aggregate classification (germline): Likely benign. Review status: criteria provided, single submitter (1 of 4 stars). 2 submissions from 2 submitters: Likely benign (1). 1 of the submissions does not count toward it. Last evaluated 2022-04-15.

Conditions:
DIP2C-related disorder. Also called: DIP2C-related condition.

Allele frequency attached by ClinVar (database versions not stated): gnomAD 0.00001; ExAC 0.00002; TOPMed 0.00003.
gnomAD v4.1: 6 of 1,614,178 alleles (0.00037%); highest among the groups gnomAD compares: African/African-American, 0.0053%; no homozygotes.

Submissions (2):

Labcorp Genetics (formerly Invitae), Labcorp
Classification: Likely benign. Last evaluated: 2022-04-15. Review status: criteria provided, single submitter. Criteria: Invitae Variant Classification Sherloc (09022015). Collection method: clinical testing. Allele origin: germline.

PreventionGenetics, part of Exact Sciences
Classification: Likely benign for DIP2C-related condition. Last evaluated: 2019-06-24. Review status: no assertion criteria provided. Collection method: clinical testing. Allele origin: germline. Not counted in ClinVar's aggregate classification.
Comment: This variant is classified as likely benign based on ACMG/AMP sequence variant interpretation guidelines (Richards et al. 2015 PMID: 25741868, with internal and published modifications).